The following is an entry in ClinVar:

NM_000492.4(CFTR):c.1585-7G>A

Genes: CFTR (CF transmembrane conductance regulator; plus strand), LOC111674475 (CFTR intron 11 enhancer; plus strand). Cytogenetic location: 7q31.2.
Variant type: single nucleotide variant.
Coding change: c.1585-7G>A on transcript NM_000492.4 (MANE Select); 7 bases into the intron before coding-DNA position 1585, G replaced by A.
Molecular consequence: intron variant.
Genome position (GRCh38, 1-based): chr7:117,587,732, G>A. VCF-style: chr7-117587732-G-A. GRCh37 (hg19) VCF-style: chr7-117227786-G-A.
Identifiers: ClinVar variation 1539498 (VCV001539498.10), dbSNP rs1367201083, ClinGen allele CA577221922.

ClinVar aggregate classification (germline): Conflicting classifications of pathogenicity. Review status: criteria provided, conflicting classifications (1 of 4 stars). 2 submissions from 2 submitters: Uncertain significance (1); Likely benign (1). Last evaluated 2025-12-14.

Conditions:
Cystic fibrosis (CF). Also called: MUCOVISCIDOSIS. Identifiers: Orphanet 586, MedGen C0010674, MONDO:0009061, OMIM 219700. Disease mechanism: loss of function.

Allele frequency attached by ClinVar (database versions not stated): gnomAD exomes 0.00001.
gnomAD v4.1: 14 of 1,563,642 alleles (0.0009%); highest among the groups gnomAD compares: Admixed American, 0.0017%; no homozygotes.

Submissions (2):

Labcorp Genetics (formerly Invitae), Labcorp
Classification: Likely benign for Cystic fibrosis. Last evaluated: 2025-12-14. Review status: criteria provided, single submitter. Criteria: Invitae Variant Classification Sherloc (09022015). Collection method: clinical testing. Allele origin: germline.

Ambry Genetics
Classification: Uncertain significance for Cystic fibrosis. Last evaluated: 2022-03-01. Review status: criteria provided, single submitter. Criteria: Ambry Variant Classification Scheme 2023. Collection method: clinical testing. Allele origin: germline.
Comment: The c.1585-7G>A intronic variant results from a G to A substitution 7 nucleotides upstream from coding exon 12 in the CFTR gene. This nucleotide position is poorly conserved in available vertebrate species. In silico splice site analysis predicts that this alteration will not have any significant effect on splicing. Since supporting evidence is limited at this time, the clinical significance of this alteration remains unclear.